The following is an entry in ClinVar:

NC_000007.13:g.(?_45103497)_(45109580_?)del

Gene: CCM2 (CCM2 scaffold protein; plus strand). Cytogenetic location: 7p13.
Variant type: Deletion.
Identifiers: ClinVar variation 2426973 (VCV002426973.4).

ClinVar aggregate classification (germline): Pathogenic (1 of 4 stars; one submission).

Conditions:
Cerebral cavernous malformation 2. Also called: Familial Cerebral Cavernous Malformation 2. Identifiers: Orphanet 221061, MedGen C1864041, MONDO:0011304, OMIM 603284.

Submission:

Labcorp Genetics (formerly Invitae), Labcorp
Classification: Pathogenic for Cerebral cavernous malformation 2. Last evaluated: 2022-05-27. Review status: criteria provided, single submitter. Criteria: Invitae Variant Classification Sherloc (09022015). Collection method: clinical testing. Allele origin: germline.
Comment: This variant is a gross deletion of the genomic region encompassing exon(s) 3-6 of the CCM2 gene. This deletion is out-of-frame, and is expected to create a premature termination codon and result in an absent or disrupted protein product. Loss-of-function variants in CCM2 are known to be pathogenic (PMID: 18300272, 24689081). This variant has not been reported in the literature in individuals affected with CCM2-related conditions. For these reasons, this variant has been classified as Pathogenic.

Literature cited by the submitters: PubMed 18300272; PubMed 24689081.